The following is an entry in ClinVar:

NM_138694.4(PKHD1):c.917del (p.Lys306fs)

Gene: PKHD1 (PKHD1 ciliary IPT domain containing fibrocystin/polyductin; minus strand). Cytogenetic location: 6p12.2.
Variant type: Deletion.
Coding change: c.917del on transcript NM_138694.4 (MANE Select); coding-DNA position 917, one base deleted (A; older notation c.917delA).
Protein change: p.Lys306fs; shifts the reading frame from lysine 306.
Molecular consequence: frameshift variant.
Genome position (GRCh38, 1-based): chr6:52,065,014, T deleted on the plus strand (A on the coding strand, the reverse complement: PKHD1 is on the minus strand); the first of 2 consecutive T bases (chr6:52,065,014-52,065,015); deleting either gives the same sequence. VCF-style (leftmost placement, unchanged base first): chr6-52065013-CT-C. GRCh37 (hg19) VCF-style: chr6-51929811-CT-C.
Other names: c.917del, p.Lys306fs (NM_170724.3); short protein forms K306fs.
Identifiers: ClinVar variation 4816794 (VCV004816794.1).

ClinVar aggregate classification (germline): Likely pathogenic (1 of 4 stars; one submission).

Conditions:
Autosomal recessive polycystic kidney disease (ARPKD). Also called: AR polycystic kidney disease. Identifiers: Orphanet 731, Orphanet 8378, MedGen C0085548, MeSH D017044, MONDO:0009889.

Submission:

Natera, Inc.
Classification: Likely pathogenic for Autosomal recessive polycystic kidney disease. Last evaluated: 2025-11-25. Review status: criteria provided, single submitter. Criteria: Natera Variant Classification Schema (03/2026). Collection method: clinical testing. Allele origin: germline.
Comment: The c.917del variant in PKHD1 is a frameshift variant predicted to shift the reading frame beginning at codon 306 and leads to a stop codon 13 codons downstream. This variant is expected to result in nonsense mediated decay, truncation, or a dysfunctional protein product. This variant is rare in the general population with a frequency below the threshold expected for the associated phenotype(s). Given the available evidence, this variant is classified as Likely Pathogenic.